The following is an entry in ClinVar:

ClinVar aggregate classification (germline): Likely benign (1 of 4 stars; one submission).

Allele frequency attached by ClinVar (database versions not stated): ESP Exome Variant Server 0.00031.
gnomAD v4.1: 121 of 1,614,094 alleles (0.0075%); highest among the groups gnomAD compares: African/African-American, 0.071%; no homozygotes.

Submission:

CeGaT Center for Human Genetics Tuebingen
Classification: Likely benign. Last evaluated: 2023-11-01. Review status: criteria provided, single submitter. Criteria: CeGaT Center For Human Genetics Tuebingen Variant Classification Criteria Version 2. Collection method: clinical testing. Allele origin: germline. Affected: yes. Observed: 1 variant allele.
Comment: AADACL4: BP4, BP7

NM_001013630.2(AADACL4):c.594G>A (p.Ala198=)

Gene: AADACL4 (arylacetamide deacetylase like 4; plus strand). Cytogenetic location: 1p36.21.
Variant type: single nucleotide variant.
Coding change: c.594G>A on transcript NM_001013630.2 (MANE Select); coding-DNA position 594, G replaced by A.
Protein change: p.Ala198=; no amino-acid change (alanine 198 retained).
Molecular consequence: synonymous variant.
Genome position (GRCh38, 1-based): chr1:12,666,105, G>A. VCF-style: chr1-12666105-G-A. GRCh37 (hg19) VCF-style: chr1-12726116-G-A.
Identifiers: ClinVar variation 2638257 (VCV002638257.24), dbSNP rs149150706, ClinGen allele CA605029.